The following is an entry in ClinVar:

ClinVar aggregate classification (germline): Uncertain significance (1 of 4 stars; one submission).

Conditions:
Epilepsy, X-linked 1, with variable learning disabilities and behavior disorders. Also called: X-linked epilepsy-learning disabilities-behavior disorders syndrome. Identifiers: Orphanet 85294, MedGen C5774177, MONDO:0010339, OMIM 300491.

Submission:

Labcorp Genetics (formerly Invitae), Labcorp
Classification: Uncertain significance for Epilepsy, X-linked 1, with variable learning disabilities and behavior disorders. Last evaluated: 2021-04-14. Review status: criteria provided, single submitter. Criteria: Invitae Variant Classification Sherloc (09022015). Collection method: clinical testing. Allele origin: germline.
Comment: Nucleotide substitutions within the consensus splice site are a relatively common cause of aberrant splicing (PMID: 17576681, 9536098). Algorithms developed to predict the effect of sequence changes on RNA splicing suggest that this variant may disrupt the consensus splice site, but this prediction has not been confirmed by published transcriptional studies. In summary, the available evidence is currently insufficient to determine the role of this variant in disease. Therefore, it has been classified as a Variant of Uncertain Significance. This variant has not been reported in the literature in individuals with SYN1-related conditions. This variant is not present in population databases (ExAC no frequency). This sequence change falls in intron 1 of the SYN1 gene. It does not directly change the encoded amino acid sequence of the SYN1 protein. It affects a nucleotide within the consensus splice site of the intron.

Literature cited by the submitters: PubMed 17576681; PubMed 9536098.

NM_006950.3(SYN1):c.377+4A>T

Gene: SYN1 (synapsin I; minus strand). Cytogenetic location: Xp11.23.
Variant type: single nucleotide variant.
Coding change: c.377+4A>T on transcript NM_006950.3 (MANE Select); 4 bases into the intron after coding-DNA position 377, A replaced by T.
Molecular consequence: intron variant.
Genome position (GRCh38, 1-based): chrX:47,619,348, T>A on the plus strand (A>T on the coding strand, the complement: SYN1 is on the minus strand). VCF-style: chrX-47619348-T-A. GRCh37 (hg19) VCF-style: chrX-47478747-T-A.
Other names: c.377+4A>T (NM_133499.2).
Identifiers: ClinVar variation 1470038 (VCV001470038.6), dbSNP rs2147933325, ClinGen allele CA2573050532.
Genomic context (GRCh38, chrX:47,619,348, plus strand): 5'-CTCATTCGCAGAAGAACGATCTGGGGACCCAGGCCCACGGGAGACGTCCGCGGCAGTGGC[T>A]TACCAGTCGGTGTGCGGCTCGTCGATGACCAGCAGCACCCTGGAGGCGGCTCCCCCGCGG-3'